The following is an entry in ClinVar:

NM_001365480.1(CCDC88A):c.1637G>A (p.Arg546Lys)

Gene: CCDC88A (coiled-coil and HOOK domain protein 88A; minus strand). Cytogenetic location: 2p16.1.
Variant type: single nucleotide variant.
Coding change: c.1637G>A on transcript NM_001365480.1 (MANE Select); coding-DNA position 1637, G replaced by A.
Protein change: p.Arg546Lys; replaces arginine 546 with lysine.
Molecular consequence: missense variant.
Genome position (GRCh38, 1-based): chr2:55,336,700, C>T on the plus strand (G>A on the coding strand, the complement: CCDC88A is on the minus strand). VCF-style: chr2-55336700-C-T. GRCh37 (hg19) VCF-style: chr2-55563836-C-T.
Other names: c.1637G>A, p.Arg546Lys (NM_001135597.2, NM_001254943.2, NM_018084.5); short protein forms R546K.
Identifiers: ClinVar variation 1406020 (VCV001406020.8), dbSNP rs1354376834, ClinGen allele CA346902691.
Genomic context (GRCh38, chr2:55,336,700, plus strand): 5'-ATTTTAAAATACATTGTTTACTTAGTAAAAAATGTATGAACCTGTCTCTCTGAATTTTCT[C>T]TCAGTGTTTCTATTGTTTTTTCAAGCTGAGCTTTCTCCTTCATTAGATCCTTGCTTAAAT-3'
Protein context (NP_001352409.1, residues 536-556): AQLEKTIETL[Arg546Lys]ENSERQIKIL

ClinVar aggregate classification (germline): Uncertain significance (1 of 4 stars; one submission).

Allele frequency attached by ClinVar (database versions not stated): TOPMed below 0.00001.
gnomAD v4.1: 9 of 1,578,588 alleles (0.00057%); highest among the groups gnomAD compares: African/African-American, 0.0014%; no homozygotes.

Submission:

Labcorp Genetics (formerly Invitae), Labcorp
Classification: Uncertain significance. Last evaluated: 2022-08-23. Review status: criteria provided, single submitter. Criteria: Invitae Variant Classification Sherloc (09022015). Collection method: clinical testing. Allele origin: germline.
Comment: In summary, the available evidence is currently insufficient to determine the role of this variant in disease. Therefore, it has been classified as a Variant of Uncertain Significance. Algorithms developed to predict the effect of missense changes on protein structure and function (SIFT, PolyPhen-2, Align-GVGD) all suggest that this variant is likely to be tolerated. ClinVar contains an entry for this variant (Variation ID: 1406020). This variant has not been reported in the literature in individuals affected with CCDC88A-related conditions. This variant is not present in population databases (gnomAD no frequency). This sequence change replaces arginine, which is basic and polar, with lysine, which is basic and polar, at codon 546 of the CCDC88A protein (p.Arg546Lys).